The following is an entry in ClinVar:

ClinVar aggregate classification (germline): Conflicting classifications of pathogenicity. Review status: criteria provided, conflicting classifications (1 of 4 stars). 3 submissions from 3 submitters: Uncertain significance (2); Likely benign (1). Last evaluated 2025-01-28.

Conditions:
MYO18B-related disorder. Also called: MYO18B-related condition.

Allele frequency attached by ClinVar (database versions not stated): gnomAD exomes 0.00001 and 0.00004; ExAC 0.00002; gnomAD 0.00002 and 0.00003; TOPMed 0.00005; ESP Exome Variant Server 0.00008; 1000 Genomes Project 30x 0.00016; 1000 Genomes Project 0.00020.

Submissions (3):

PreventionGenetics, part of Exact Sciences
Classification: Uncertain significance for MYO18B-related condition. Last evaluated: 2025-01-28. Review status: criteria provided, single submitter. Criteria: ACMG Guidelines, 2015. Collection method: clinical testing. Allele origin: germline.
Comment: The MYO18B c.3472C>T variant is predicted to result in the amino acid substitution p.Arg1158Cys. This variant was reported to occur de novo in an individual with a developmental disorder (reported as g.26242170, Supp. Table 1, Kaplanis et al. 2020. PubMed ID: 33057194; Supp. Data 3, Zhou et al. 2022. PubMed ID: 35982159). This variant is reported in 0.0016% of alleles in individuals of European (non-Finnish) descent in gnomAD. At this time, the clinical significance of this variant is uncertain due to the absence of conclusive functional and genetic evidence.

Blueprint Genetics
Classification: Likely benign. Last evaluated: 2024-05-14. Review status: criteria provided, single submitter. Criteria: ACMG Guidelines, 2015. Collection method: clinical testing. Allele origin: germline.

Labcorp Genetics (formerly Invitae), Labcorp
Classification: Uncertain significance. Last evaluated: 2022-08-10. Review status: criteria provided, single submitter. Criteria: Invitae Variant Classification Sherloc (09022015). Collection method: clinical testing. Allele origin: germline.
Comment: This sequence change replaces arginine, which is basic and polar, with cysteine, which is neutral and slightly polar, at codon 1158 of the MYO18B protein (p.Arg1158Cys). This variant is present in population databases (rs368413159, gnomAD 0.002%). This variant has not been reported in the literature in individuals affected with MYO18B-related conditions. ClinVar contains an entry for this variant (Variation ID: 1385731). Algorithms developed to predict the effect of missense changes on protein structure and function output the following: SIFT: "Not Available"; PolyPhen-2: "Benign"; Align-GVGD: "Not Available". The cysteine amino acid residue is found in multiple mammalian species, which suggests that this missense change does not adversely affect protein function. In summary, the available evidence is currently insufficient to determine the role of this variant in disease. Therefore, it has been classified as a Variant of Uncertain Significance.

NM_032608.7(MYO18B):c.3472C>T (p.Arg1158Cys)

Gene: MYO18B (myosin XVIIIB; plus strand). Cytogenetic location: 22q12.1.
Variant type: single nucleotide variant.
Coding change: c.3472C>T on transcript NM_032608.7 (MANE Select); coding-DNA position 3472, C replaced by T.
Protein change: p.Arg1158Cys; replaces arginine 1158 with cysteine.
Molecular consequence: missense variant.
Genome position (GRCh38, 1-based): chr22:25,846,203, C>T. VCF-style: chr22-25846203-C-T. GRCh37 (hg19) VCF-style: chr22-26242170-C-T.
Other names: c.3475C>T, p.Arg1159Cys (NM_001318245.2); c.3472C>T (NM_032608.6); short protein forms R1159C, R1158C.
Identifiers: ClinVar variation 1385731 (VCV001385731.9), dbSNP rs368413159, ClinGen allele CA10160570.